The following is an entry in ClinVar:

NM_001379500.1(COL18A1):c.30GCG[3] (p.Arg14del)

Genes: BNAT1 (breast cancer associated ESR1 regulating natural antisense transcript 1; minus strand), COL18A1 (collagen type XVIII alpha 1 chain; plus strand). Cytogenetic location: 21q22.3.
Variant type: Microsatellite.
Coding change: c.30GCG[3] on transcript NM_001379500.1 (MANE Select); three copies in a row of the 3-base unit GCG starting at c.30; the reference has four copies in a row; one copy, 3 bases deleted.
Protein change: p.Arg14del; deletes arginine 14.
Molecular consequence: inframe deletion.
Genome position (GRCh38, 1-based): chr21:45,405,406-45,405,408, GCG deleted; deleting any 3 consecutive bases within chr21:45,405,397-45,405,408 gives the same sequence; the position shown is the placement nearest the transcript's 3' end. VCF-style (leftmost placement, unchanged base first): chr21-45405396-CGCG-C. GRCh37 (hg19) VCF-style: chr21-46825311-CGCG-C.
Other names: short protein forms R14del.
Identifiers: ClinVar variation 1346176 (VCV001346176.6), dbSNP rs1252621647, ClinGen allele CA638233984.

ClinVar aggregate classification (germline): Uncertain significance (1 of 4 stars; one submission).

Submission:

Labcorp Genetics (formerly Invitae), Labcorp
Classification: Uncertain significance. Last evaluated: 2022-01-13. Review status: criteria provided, single submitter. Criteria: Invitae Variant Classification Sherloc (09022015). Collection method: clinical testing. Allele origin: germline.
Comment: In summary, the available evidence is currently insufficient to determine the role of this variant in disease. Therefore, it has been classified as a Variant of Uncertain Significance. Experimental studies and prediction algorithms are not available or were not evaluated, and the functional significance of this variant is currently unknown. This variant has not been reported in the literature in individuals affected with COL18A1-related conditions. The frequency data for this variant in the population databases is considered unreliable, as metrics indicate poor data quality at this position in the gnomAD database. This variant, c.39_41del, results in the deletion of 1 amino acid(s) of the COL18A1 protein (p.Arg14del), but otherwise preserves the integrity of the reading frame.